The following is an entry in ClinVar:

NM_001127198.5(TMC6):c.826G>A (p.Ala276Thr)

Gene: TMC6 (transmembrane channel like 6; minus strand). Cytogenetic location: 17q25.3.
Variant type: single nucleotide variant.
Coding change: c.826G>A on transcript NM_001127198.5 (MANE Select); coding-DNA position 826, G replaced by A.
Protein change: p.Ala276Thr; replaces alanine 276 with threonine.
Molecular consequence: missense variant. On other transcripts: non-coding transcript variant (4).
Genome position (GRCh38, 1-based): chr17:78,124,589, C>T on the plus strand (G>A on the coding strand, the complement: TMC6 is on the minus strand). VCF-style: chr17-78124589-C-T. GRCh37 (hg19) VCF-style: chr17-76120670-C-T.
Other names: c.826G>A, p.Ala276Thr (NM_001321185.1, NM_001374593.1, NM_001374594.1 and 4 more transcripts); short protein forms A276T.
Identifiers: ClinVar variation 1377062 (VCV001377062.4), dbSNP rs201290210, ClinGen allele CA8795994.

ClinVar aggregate classification (germline): Uncertain significance (1 of 4 stars; one submission).

Conditions:
Epidermodysplasia verruciformis. Identifiers: Orphanet 302, MedGen C0014522, MONDO:0009176.

Allele frequency attached by ClinVar (database versions not stated): gnomAD 0.00002 and 0.00003; gnomAD exomes 0.00002; TOPMed 0.00002; ExAC 0.00003; 1000 Genomes Project 30x 0.00016; 1000 Genomes Project 0.00020.
gnomAD v4.1: 34 of 1,612,206 alleles (0.0021%); highest among the groups gnomAD compares: African/African-American, 0.0067%; no homozygotes.

Submission:

Labcorp Genetics (formerly Invitae), Labcorp
Classification: Uncertain significance for Epidermodysplasia verruciformis. Last evaluated: 2022-11-01. Review status: criteria provided, single submitter. Criteria: Invitae Variant Classification Sherloc (09022015). Collection method: clinical testing. Allele origin: germline.
Comment: In summary, the available evidence is currently insufficient to determine the role of this variant in disease. Therefore, it has been classified as a Variant of Uncertain Significance. Algorithms developed to predict the effect of missense changes on protein structure and function are either unavailable or do not agree on the potential impact of this missense change (SIFT: "Not Available"; PolyPhen-2: "Benign"; Align-GVGD: "Not Available"). ClinVar contains an entry for this variant (Variation ID: 1377062). This variant has not been reported in the literature in individuals affected with TMC6-related conditions. This variant is present in population databases (rs201290210, gnomAD 0.006%). This sequence change replaces alanine with threonine at codon 276 of the TMC6 protein (p.Ala276Thr). The alanine residue is weakly conserved and there is a small physicochemical difference between alanine and threonine.